The following is an entry in ClinVar:

ClinVar aggregate classification (germline): Uncertain significance (1 of 4 stars; one submission).

Submission:

Labcorp Genetics (formerly Invitae), Labcorp
Classification: Uncertain significance. Last evaluated: 2021-10-13. Review status: criteria provided, single submitter. Criteria: Invitae Variant Classification Sherloc (09022015). Collection method: clinical testing. Allele origin: germline.
Comment: This variant has not been reported in the literature in individuals affected with DEAF1-related conditions. Advanced modeling of protein sequence and biophysical properties (such as structural, functional, and spatial information, amino acid conservation, physicochemical variation, residue mobility, and thermodynamic stability) performed at Invitae indicates that this missense variant is not expected to disrupt DEAF1 protein function. In summary, the available evidence is currently insufficient to determine the role of this variant in disease. Therefore, it has been classified as a Variant of Uncertain Significance. This variant is not present in population databases (ExAC no frequency). This sequence change replaces glutamic acid with glutamine at codon 50 of the DEAF1 protein (p.Glu50Gln). The glutamic acid residue is moderately conserved and there is a small physicochemical difference between glutamic acid and glutamine.

NM_021008.4(DEAF1):c.148G>C (p.Glu50Gln)

Gene: DEAF1 (DEAF1 transcription factor; minus strand). Cytogenetic location: 11p15.5.
Variant type: single nucleotide variant.
Coding change: c.148G>C on transcript NM_021008.4 (MANE Select); coding-DNA position 148, G replaced by C.
Protein change: p.Glu50Gln; replaces glutamic acid 50 with glutamine.
Molecular consequence: missense variant. On other transcripts: intron variant (1).
Genome position (GRCh38, 1-based): chr11:694,900, C>G on the plus strand (G>C on the coding strand, the complement: DEAF1 is on the minus strand). VCF-style: chr11-694900-C-G. GRCh37 (hg19) VCF-style: chr11-694900-C-G.
Other names: c.148G>C, p.Glu50Gln (NM_001293634.2); c.-437-3302G>C (NM_001367390.1); short protein forms E50Q.
Identifiers: ClinVar variation 1472981 (VCV001472981.6), dbSNP rs2133438631, ClinGen allele CA378939759.